The following is an entry in ClinVar:

NM_153704.6(TMEM67):c.1085C>G (p.Thr362Arg)

Gene: TMEM67 (transmembrane protein 67; plus strand). Cytogenetic location: 8q22.1.
Variant type: single nucleotide variant.
Coding change: c.1085C>G on transcript NM_153704.6 (MANE Select); coding-DNA position 1085, C replaced by G.
Protein change: p.Thr362Arg; replaces threonine 362 with arginine.
Molecular consequence: missense variant. On other transcripts: non-coding transcript variant (1).
Genome position (GRCh38, 1-based): chr8:93,782,414, C>G. VCF-style: chr8-93782414-C-G. GRCh37 (hg19) VCF-style: chr8-94794642-C-G.
Other names: c.842C>G, p.Thr281Arg (NM_001142301.1); short protein forms T281R, T362R.
Identifiers: ClinVar variation 4995958 (VCV004995958.1).

ClinVar aggregate classification (germline): Uncertain significance (1 of 4 stars; one submission).

Conditions:
TMEM67-related disorder. Also called: TMEM67-related condition; TMEM67-related disorders. Identifiers: MedGen CN239423.

Submission:

PreventionGenetics, part of Exact Sciences
Classification: Uncertain significance for TMEM67-related condition. Last evaluated: 2026-06-22. Review status: criteria provided, single submitter. Criteria: ACMG Guidelines, 2015. Collection method: clinical testing. Allele origin: germline.
Comment: The TMEM67 c.1085C>G variant is predicted to result in the amino acid substitution p.Thr362Arg. To our knowledge, this variant has not been reported in the literature. This variant is reported in 0.0054% of alleles in individuals of East Asian descent in gnomAD. At this time, the clinical significance of this variant is uncertain due to the absence of conclusive functional and genetic evidence.